The following is an entry in ClinVar:

ClinVar aggregate classification (germline): Pathogenic (1 of 4 stars; one submission).

Conditions:
Microcephaly 17, primary, autosomal recessive (MCPH17). Identifiers: Orphanet 2512, MedGen C4310723, MONDO:0014908, OMIM 617090.

Submission:

3billion
Classification: Pathogenic for Microcephaly 17, primary, autosomal recessive. Last evaluated: 2022-01-03. Review status: criteria provided, single submitter. Criteria: ACMG Guidelines, 2015. Collection method: clinical testing. Allele origin: germline. Affected: yes. Observed: 1 homozygote.
Comment: Canonical splice site: predicted to alter splicing and result in a loss or disruption of normal protein function through protein truncation. Multiple pathogenic variants are reported in the predicted truncated region (PVS1_VS). It is not observed in the gnomAD v2.1.1 dataset (PM2_M). Therefore, this variant is classified as pathogenic according to the recommendation of ACMG/AMP guideline.

NM_001206999.2(CIT):c.957+1G>T

Gene: CIT (citron rho-interacting serine/threonine kinase; minus strand). Cytogenetic location: 12q24.23.
Variant type: single nucleotide variant.
Coding change: c.957+1G>T on transcript NM_001206999.2 (MANE Select); the canonical splice donor site of the intron after coding-DNA position 957, G replaced by T.
Molecular consequence: splice donor variant.
Genome position (GRCh38, 1-based): chr12:119,825,164, C>A on the plus strand (G>T on the coding strand, the complement: CIT is on the minus strand). VCF-style: chr12-119825164-C-A. GRCh37 (hg19) VCF-style: chr12-120262968-C-A.
Other names: c.957+1G>T (NM_007174.3).
Identifiers: ClinVar variation 1333418 (VCV001333418.1), dbSNP rs1968060326, ClinGen allele CA386542777.
Genomic context (GRCh38, chr12:119,825,164, plus strand): 5'-TCGCACAATTTTTAAATAACGTTTCTCAATGTGACTTCGAAATCTTCTAAGGACTCTTTA[C>A]CTGGAAATTCATAATGTTATTGAAGGTTCTGGCAGAGGTTCCCTCTGCGAAGGGGGATCT-3'